The following is an entry in ClinVar:

NM_000092.5(COL4A4):c.289C>T (p.Arg97Cys)

Gene: COL4A4 (collagen type IV alpha 4 chain; minus strand). Cytogenetic location: 2q36.3.
Variant type: single nucleotide variant.
Coding change: c.289C>T on transcript NM_000092.5 (MANE Select); coding-DNA position 289, C replaced by T.
Protein change: p.Arg97Cys; replaces arginine 97 with cysteine.
Molecular consequence: missense variant.
Genome position (GRCh38, 1-based): chr2:227,121,052, G>A on the plus strand (C>T on the coding strand, the complement: COL4A4 is on the minus strand). VCF-style: chr2-227121052-G-A. GRCh37 (hg19) VCF-style: chr2-227985768-G-A.
Other names: short protein forms R97C.
Identifiers: ClinVar variation 2199545 (VCV002199545.6), dbSNP rs202096172, ClinGen allele CA2145726.

ClinVar aggregate classification (germline): Conflicting classifications of pathogenicity. Review status: criteria provided, conflicting classifications (1 of 4 stars). 2 submissions from 2 submitters: Uncertain significance (1); Likely benign (1). Last evaluated 2025-10-02.

Conditions:
COL4A4-related disorder.

Allele frequency attached by ClinVar (database versions not stated): gnomAD exomes 0.00003; ExAC 0.00005; gnomAD 0.00005; TOPMed 0.00007; ESP Exome Variant Server 0.00008.
gnomAD v4.1: 48 of 1,613,930 alleles (0.003%); highest among the groups gnomAD compares: East Asian, 0.0089%; no homozygotes.

Submissions (2):

PreventionGenetics, part of Exact Sciences
Classification: Uncertain significance for COL4A4-related condition. Last evaluated: 2025-10-02. Review status: criteria provided, single submitter. Criteria: ACMG Guidelines, 2015. Collection method: clinical testing. Allele origin: germline.
Comment: The COL4A4 c.289C>T variant is predicted to result in the amino acid substitution p.Arg97Cys. This variant has been reported in the heterozygous state in an individual with symptoms of Alport syndrome (Yavas et al. 2024. PubMed ID: 38357258). This variant is reported in 0.020% of alleles in individuals of East Asian descent in gnomAD. At this time, the clinical significance of this variant is uncertain due to the absence of conclusive functional and genetic evidence.

Labcorp Genetics (formerly Invitae), Labcorp
Classification: Likely benign. Last evaluated: 2024-01-17. Review status: criteria provided, single submitter. Criteria: Invitae Variant Classification Sherloc (09022015). Collection method: clinical testing. Allele origin: germline.